The following is an entry in ClinVar:

NM_001292063.2(OTOG):c.6521A>G (p.Asn2174Ser)

Gene: OTOG (otogelin; plus strand). Cytogenetic location: 11p15.1.
Variant type: single nucleotide variant.
Coding change: c.6521A>G on transcript NM_001292063.2 (MANE Select); coding-DNA position 6521, A replaced by G.
Protein change: p.Asn2174Ser; replaces asparagine 2174 with serine.
Molecular consequence: missense variant.
Genome position (GRCh38, 1-based): chr11:17,613,694, A>G. VCF-style: chr11-17613694-A-G. GRCh37 (hg19) VCF-style: chr11-17635241-A-G.
Other names: c.6557A>G, p.Asn2186Ser (NM_001277269.2); short protein forms N2186S, N2174S.
Identifiers: ClinVar variation 505281 (VCV000505281.17), dbSNP rs368261417, ClinGen allele CA5906037.

ClinVar aggregate classification (germline): Conflicting classifications of pathogenicity. Review status: criteria provided, conflicting classifications (1 of 4 stars). 4 submissions from 4 submitters: Uncertain significance (1); Likely benign (3). Last evaluated 2025-10-27.

Conditions:
OTOG-related disorder. Also called: OTOG-related condition.

Allele frequency attached by ClinVar (database versions not stated): ExAC below 0.00001; gnomAD exomes 0.00005 and 0.00011; gnomAD 0.00059 and 0.00061; TOPMed 0.00068; 1000 Genomes Project 0.00140; 1000 Genomes Project 30x 0.00141.
gnomAD v4.1: 159 of 1,550,204 alleles (0.01%); highest among the groups gnomAD compares: African/African-American, 0.2%; no homozygotes.

Submissions (4):

Labcorp Genetics (formerly Invitae), Labcorp
Classification: Likely benign. Last evaluated: 2025-10-27. Review status: criteria provided, single submitter. Criteria: Invitae Variant Classification Sherloc (09022015). Collection method: clinical testing. Allele origin: germline.

PreventionGenetics, part of Exact Sciences
Classification: Likely benign for OTOG-related condition. Last evaluated: 2024-11-20. Review status: criteria provided, single submitter. Criteria: ACMG Guidelines, 2015. Collection method: clinical testing. Allele origin: germline.
Comment: This variant is classified as likely benign based on ACMG/AMP sequence variant interpretation guidelines (Richards et al. 2015 PMID: 25741868, with internal and published modifications).

GeneDx
Classification: Uncertain significance. Last evaluated: 2020-11-27. Review status: criteria provided, single submitter. Criteria: GeneDx Variant Classification Process June 2021. Collection method: clinical testing. Allele origin: germline. Affected: yes.
Comment: In silico analysis supports that this missense variant does not alter protein structure/function; Has not been previously published as pathogenic or benign to our knowledge

Laboratory for Molecular Medicine, Mass General Brigham Personalized Medicine
Classification: Likely benign. Last evaluated: 2016-09-11. Review status: criteria provided, single submitter. Criteria: LMM Criteria. Collection method: clinical testing. Allele origin: germline. Observed: 1 variant allele.
Comment: p.Asn2186Ser in exon 38 of OTOG: This variant is not expected to have clinical s ignificance due to a lack of conservation across species, including mammals. Of note, more than 5 mammals have a serine (Ser) at this position despite high near by amino acid conservation. In addition, the variant has been identified in 7/13 22 of African chromosomes by the 1000Genome Project (dbSNP rs368261417).